The following is an entry in ClinVar:

NM_002448.3(MSX1):c.718A>G (p.Met240Val)

Gene: MSX1 (msh homeobox 1; plus strand). Cytogenetic location: 4p16.2.
Variant type: single nucleotide variant.
Coding change: c.718A>G on transcript NM_002448.3 (MANE Select); coding-DNA position 718, A replaced by G.
Protein change: p.Met240Val; replaces methionine 240 with valine.
Molecular consequence: missense variant.
Genome position (GRCh38, 1-based): chr4:4,862,949, A>G. VCF-style: chr4-4862949-A-G. GRCh37 (hg19) VCF-style: chr4-4864676-A-G.
Other names: short protein forms M240V.
Identifiers: ClinVar variation 4974541 (VCV004974541.1).

ClinVar aggregate classification (germline): Likely pathogenic (1 of 4 stars; one submission).

Conditions:
Tooth agenesis, selective, 1. Also called: HYPODONTIA/OLIGODONTIA 1; SECOND PREMOLARS AND THIRD MOLARS, ABSENCE OF. Identifiers: Orphanet 99798, MedGen C3489529, MONDO:0007129, OMIM 106600. Disease mechanism: loss of function.

Submission:

Center of Excellence in Precision Medicine and Digital Health (CEPMDH), Faculty of Dentistry, Chulalongkorn University
Classification: Likely pathogenic for Tooth agenesis, selective, 1. Last evaluated: 2025-09-01. Review status: criteria provided, single submitter. Criteria: ACMG Guidelines, 2015. Collection method: research. Allele origin: germline. Inheritance: Autosomal dominant inheritance. Affected: yes. Observed: 1 variant allele, 1 heterozygote.
Comment: The variant is classified as likely pathogenic according to the ACMG criteria (PM2 PP3 PS2)